The following is an entry in ClinVar:

NM_001079872.2(CUL4B):c.763C>A (p.His255Asn)

Gene: CUL4B (cullin 4B; minus strand). Cytogenetic location: Xq24.
Variant type: single nucleotide variant.
Coding change: c.763C>A on transcript NM_001079872.2 (MANE Select); coding-DNA position 763, C replaced by A.
Protein change: p.His255Asn; replaces histidine 255 with asparagine.
Molecular consequence: missense variant.
Genome position (GRCh38, 1-based): chrX:120,547,149, G>T on the plus strand (C>A on the coding strand, the complement: CUL4B is on the minus strand). VCF-style: chrX-120547149-G-T. GRCh37 (hg19) VCF-style: chrX-119681004-G-T.
Other names: c.778C>A, p.His260Asn (NM_001330624.2); c.229C>A, p.His77Asn (NM_001369145.1); c.817C>A, p.His273Asn (NM_003588.4); short protein forms H260N, H273N, H255N, H77N.
Identifiers: ClinVar variation 4992049 (VCV004992049.2).

ClinVar aggregate classification (germline): Conflicting classifications of pathogenicity. Review status: criteria provided, conflicting classifications (1 of 4 stars). 2 submissions from 2 submitters: Uncertain significance (1); Likely benign (1). Last evaluated 2026-08-19.

Conditions:
Inborn genetic diseases. Identifiers: MedGen C0950123, MeSH D030342.
CUL4B-related disorder. Also called: CUL4B-related condition.

gnomAD v4.1: 57 of 1,194,967 alleles (0.0048%); highest among the groups gnomAD compares: Non-Finnish European, 0.005%; no homozygotes.

Submissions (2):

Ambry Genetics
Classification: Likely benign for Inborn genetic diseases. Last evaluated: 2026-08-19. Review status: criteria provided, single submitter. Criteria: Ambry Variant Classification Scheme 2023. Collection method: clinical testing. Allele origin: germline.

PreventionGenetics, part of Exact Sciences
Classification: Uncertain significance for CUL4B-related condition. Last evaluated: 2025-03-04. Review status: criteria provided, single submitter. Criteria: ACMG Guidelines, 2015. Collection method: clinical testing. Allele origin: germline.
Comment: The CUL4B c.817C>A variant is predicted to result in the amino acid substitution p.His273Asn. To our knowledge, this variant has not been reported in the literature. This variant is reported in 0.017% of alleles in individuals of European (Non-Finnish) descent in gnomAD, including four hemizygous alleles, which is likely too common for an undocumented disease-causing variant. Although we suspect that this variant may be benign, at this time, the clinical significance of this variant is uncertain due to the absence of conclusive functional and genetic evidence.